The following is an entry in ClinVar:

ClinVar aggregate classification (germline): Likely pathogenic (1 of 4 stars; one submission).

Submission:

GeneDx
Classification: Likely pathogenic. Last evaluated: 2016-09-19. Review status: criteria provided, single submitter. Criteria: GeneDx Variant Classification (06012015). Collection method: clinical testing. Allele origin: germline. Affected: yes.
Comment: The c.771+2 T>A splice site variant in the NIPBL gene destroys the canonical splice donor site in intron 7. It is predicted to cause abnormal gene splicing, either leading to an abnormal message that is subject to nonsense-mediated mRNA decay, or to an abnormal protein product if the message is used for protein translation. The c.771+2 T>A variant was not observed in approximately 6,500 individuals of European and African American ancestry in the NHLBI Exome Sequencing Project, indicating it is not a common benign variant in these populations. Therefore, this variant is likely pathogenic

NM_133433.4(NIPBL):c.771+2T>A

Gene: NIPBL (NIPBL cohesin loading factor; plus strand). Cytogenetic location: 5p13.2.
Variant type: single nucleotide variant.
Coding change: c.771+2T>A on transcript NM_133433.4 (MANE Select); the canonical splice donor site of the intron after coding-DNA position 771, T replaced by A.
Molecular consequence: splice donor variant.
Genome position (GRCh38, 1-based): chr5:36,971,038, T>A. VCF-style: chr5-36971038-T-A. GRCh37 (hg19) VCF-style: chr5-36971140-T-A.
Other names: c.771+2T>A (NM_015384.5).
Identifiers: ClinVar variation 430444 (VCV000430444.2), dbSNP rs1131691967, ClinGen allele CA359479409.